The following is an entry in ClinVar:

NM_000051.4(ATM):c.876G>A (p.Pro292=)

Gene: ATM (ATM serine/threonine kinase; plus strand). Cytogenetic location: 11q22.3.
Variant type: single nucleotide variant.
Coding change: c.876G>A on transcript NM_000051.4 (MANE Select); coding-DNA position 876, G replaced by A.
Protein change: p.Pro292=; no amino-acid change (proline 292 retained).
Molecular consequence: synonymous variant.
Genome position (GRCh38, 1-based): chr11:108,245,001, G>A. VCF-style: chr11-108245001-G-A. GRCh37 (hg19) VCF-style: chr11-108115728-G-A.
Other names: c.876G>A, p.Pro292= (NM_001351834.2).
Identifiers: ClinVar variation 230005 (VCV000230005.45), dbSNP rs755860432, ClinGen allele CA6264690.

ClinVar aggregate classification (germline): Benign/Likely benign. Review status: criteria provided, multiple submitters, no conflicts (2 of 4 stars). 10 submissions from 10 submitters: Benign (2); Likely benign (7). 1 of the submissions does not count toward it. Last evaluated 2026-02-04.

Conditions:
Hereditary cancer-predisposing syndrome. Also called: Neoplastic Syndromes, Hereditary; Hereditary Cancer Syndrome; Tumor predisposition; Hereditary neoplastic syndrome. Identifiers: Orphanet 140162, MedGen C0027672, MeSH D009386, MONDO:0015356.
Ataxia-telangiectasia syndrome (AT). Also called: Cerebello-oculocutaneous telangiectasia; Immunodeficiency with ataxia telangiectasia; Ataxia-telangiectasia, complementation group D; AT, COMPLEMENTATION GROUP C; Ataxia-telangiectasia, complementation group E; Ataxia-telangiectasia. Identifiers: Orphanet 100, MedGen C0004135, MONDO:0008840, OMIM 208900.
Familial cancer of breast. Also called: Hereditary breast cancer; hereditary breast carcinoma; BREAST CANCER, FAMILIAL. Identifiers: Orphanet 227535, MedGen C0346153, MONDO:0016419, OMIM 114480. Disease mechanism: loss of function.

Allele frequency attached by ClinVar (database versions not stated): gnomAD 0.00001; TOPMed 0.00002; gnomAD exomes 0.00005; ExAC 0.00007.
gnomAD v4.1: 33 of 1,610,766 alleles (0.002%); highest among the groups gnomAD compares: Admixed American, 0.0083%; no homozygotes.

Submissions (10):

Labcorp Genetics (formerly Invitae), Labcorp
Classification: Likely benign for Ataxia-telangiectasia syndrome. Last evaluated: 2026-02-04. Review status: criteria provided, single submitter. Criteria: Invitae Variant Classification Sherloc (09022015). Collection method: clinical testing. Allele origin: germline.

Institute for Biomarker Research, Medical Diagnostic Laboratories, L.L.C.
Classification: Likely benign for Hereditary cancer-predisposing syndrome. Last evaluated: 2026-02-02. Review status: criteria provided, single submitter. Criteria: ACMG Guidelines, 2015. Collection method: clinical testing. Allele origin: germline.
Comment: The synonymous variant NM_000051.4(ATM):c.876G>A (p.Pro292=) has been reported to ClinVar as Benign/Likely benign with a status of (2 stars) criteria provided, multiple submitters, no conflicts ( Accession: VCV000230005.39). The p.Pro292= variant is not predicted to disrupt an existing splice site. The p.Pro292= variant results in a substitution of a base that is not predicted conserved by GERP++ and PhyloP. For these reasons, this variant has been classified as Likely Benign.

Blueprint Genetics
Classification: Likely benign. Last evaluated: 2024-10-02. Review status: criteria provided, single submitter. Criteria: ACMG Guidelines, 2015. Collection method: clinical testing. Allele origin: germline.

Myriad Genetics, Inc.
Classification: Benign for Familial cancer of breast. Last evaluated: 2024-04-23. Review status: criteria provided, single submitter. Criteria: Myriad Autosomal Dominant, Autosomal Recessive and X-Linked Classification Criteria (2023). Collection method: clinical testing. Allele origin: unknown.
Comment: This variant is considered benign. This variant is a silent/synonymous amino acid change and it is not expected to impact splicing.

Women's Health and Genetics/Laboratory Corporation of America, LabCorp
Classification: Likely benign. Last evaluated: 2023-09-25. Review status: criteria provided, single submitter. Criteria: LabCorp Variant Classification Summary - May 2015. Collection method: clinical testing. Allele origin: germline.

CeGaT Center for Human Genetics Tuebingen
Classification: Likely benign. Last evaluated: 2023-08-01. Review status: criteria provided, single submitter. Criteria: CeGaT Center For Human Genetics Tuebingen Variant Classification Criteria Version 2. Collection method: clinical testing. Allele origin: germline. Affected: yes. Observed: 2 variant alleles.
Comment: ATM: BP4, BP7

Color Diagnostics, LLC DBA Color Health
Classification: Likely benign for Hereditary cancer-predisposing syndrome. Last evaluated: 2017-01-25. Review status: criteria provided, single submitter. Criteria: ACMG Guidelines, 2015. Collection method: clinical testing. Allele origin: germline.

Ambry Genetics
Classification: Likely benign for Hereditary cancer-predisposing syndrome. Last evaluated: 2015-12-12. Review status: criteria provided, single submitter. Criteria: Ambry Variant Classification Scheme 2023. Collection method: clinical testing. Allele origin: germline.

GeneDx
Classification: Benign. Last evaluated: 2015-03-23. Review status: criteria provided, single submitter. Criteria: GeneDx Variant Classification (06012015). Collection method: clinical testing. Allele origin: germline. Affected: yes.
Comment: This variant is considered likely benign or benign based on one or more of the following criteria: it is a conservative change, it occurs at a poorly conserved position in the protein, it is predicted to be benign by multiple in silico algorithms, and/or has population frequency not consistent with disease.

Department of Pathology and Laboratory Medicine, Sinai Health System
Classification: Likely benign. Review status: no assertion criteria provided. Collection method: clinical testing. Allele origin: unknown. Affected: yes. Study: The Canadian Open Genetics Repository (COGR). Not counted in ClinVar's aggregate classification.
Comment: The ATM p.Pro292= variant was identified in the literature however the frequency of this variant in an affected population was not provided (Decker 2017). The variant was also identified in the following databases: dbSNP (ID: rs755860432) as "With Likely benign allele", ClinVar (2x likely benign, 1x benign), and Clinvitae (2x likely benign, 1x benign). The variant was not identified in Cosmic, MutDB, or LOVD 3.0. The variant was identified in control databases in 13 of 243644 chromosomes at a frequency of 0.00005 (Genome Aggregation Database Feb 27, 2017). Breakdown of the observations by population include Latino in 5 of 33486 chromosomes (freq: 0.0001), European in 1 of 111146 chromosomes (freq: 0.000009), Ashkenazi Jewish in 2 of 9828 chromosomes (freq: 0.0002), East Asian in 1 of 17192 chromosomes (freq: 0.00006), and South Asian in 4 of 30758 chromosomes (freq: 0.0001). The variant was not observed in the African, Other, or Finnish populations. The p.Pro292 residue is conserved across mammals and other organisms, however it is not expected to have clinical significance because it does not result in a change of amino acid and is not located in a known consensus splice site. In addition, 4 of 5 in silico or computational prediction software programs (SpliceSiteFinder, MaxEntScan, NNSPLICE, GeneSplicer, HumanSpliceFinder) do not predict a difference in splicing. In our lab this variant was observed with a co-occurring pathogenic BRCA1 variant c.5161C>T, increasing the likelihood that the p.Pro292= variant does not have clinical significance. In summary, based on the above information the clinical significance of this variant cannot be determined with certainty at this time although we would lean towards a more benign role for this variant. This variant is classified as likely benign.